The following is an entry in ClinVar:

ClinVar aggregate classification (germline): Pathogenic (1 of 4 stars; one submission).

Conditions:
Familial hemophagocytic lymphohistiocytosis (FHL). Also called: Hereditary hemophagocytic lymphohistiocytosis; Familial erythrophagocytic lymphohistiocytosis; Familial histiocytic reticulosis. Identifiers: Orphanet 158038, Orphanet 540, MedGen C0272199, MONDO:0015541.

Allele frequency attached by ClinVar (database versions not stated): gnomAD exomes below 0.00001.

Submission:

Women's Health and Genetics/Laboratory Corporation of America, LabCorp
Classification: Pathogenic for Familial hemophagocytic lymphohistiocytosis. Last evaluated: 2023-08-15. Review status: criteria provided, single submitter. Criteria: LabCorp Variant Classification Summary - May 2015. Collection method: clinical testing. Allele origin: germline.
Comment: Variant summary: PRF1 c.91T>G (p.Cys31Gly) results in a non-conservative amino acid change located in the membrane attack complex component/perforin (MACPF) domain (IPR020864) of the encoded protein sequence. Five of five in-silico tools predict a damaging effect of the variant on protein function. The variant was absent in 244300 control chromosomes (gnomAD). c.91T>G has been reported in the literature in at least two homozygous individuals affected with early onset Familial Hemophagocytic Lymphohistiocytosis (FHL; e.g., Mhatre_2014, Shabrish_2021). These publications also reported low/absent perforin expression for both patients, although very low NK cell cytotoxic activity was noted when analyzing cells derived from one patient (Mhatre_2014), while NK cell degranulation was within the normal range for the other (Shabrish_2021). The variant was also reported as a monoallelic variant in an additional patient affected with FHL (e.g., Shabrish_2021). These data indicate that the variant is likely to be associated with disease. In addition, this variant is involved in a disulfide bond between Cys31 and Cys73 (UniProt), and several other variants affecting these two Cys residues (e.g. p.C31W, p.C73R, p.C73S, p.C73Y) were reported in affected individuals (HGMD, FHLdb), suggesting a functional importance for these residues. The following publications have been ascertained in the context of this evaluation (PMID: 29152263, 25577959, 28757574, 33746956). No clinical diagnostic laboratories have submitted clinical-significance assessments for this variant to ClinVar after 2014. Based on the evidence outlined above, the variant was classified as pathogenic.

Literature cited by the submitters: PubMed 29152263; PubMed 25577959; PubMed 28757574; PubMed 33746956.

NM_001083116.3(PRF1):c.91T>G (p.Cys31Gly)

Gene: PRF1 (perforin 1; minus strand). Cytogenetic location: 10q22.1.
Variant type: single nucleotide variant.
Coding change: c.91T>G on transcript NM_001083116.3 (MANE Select); coding-DNA position 91, T replaced by G.
Protein change: p.Cys31Gly; replaces cysteine 31 with glycine.
Molecular consequence: missense variant.
Genome position (GRCh38, 1-based): chr10:70,600,812, A>C on the plus strand (T>G on the coding strand, the complement: PRF1 is on the minus strand). VCF-style: chr10-70600812-A-C. GRCh37 (hg19) VCF-style: chr10-72360568-A-C.
Other names: c.91T>G, p.Cys31Gly (NM_005041.6); short protein forms C31G.
Identifiers: ClinVar variation 1192232 (VCV001192232.3), dbSNP rs1848219856, ClinGen allele CA376960115.